The following is an entry in ClinVar:

ClinVar aggregate classification (germline): Uncertain significance (1 of 4 stars; one submission).

Conditions:
SPATA7-related disorder. Also called: SPATA7-related disorders; SPATA7-related condition. Identifiers: MedGen CN239422.

gnomAD v4.1: 18 of 1,613,138 alleles (0.0011%); highest among the groups gnomAD compares: Non-Finnish European, 0.0014%; no homozygotes.

Submission:

PreventionGenetics, part of Exact Sciences
Classification: Uncertain significance for SPATA7-related condition. Last evaluated: 2025-03-18. Review status: criteria provided, single submitter. Criteria: ACMG Guidelines, 2015. Collection method: clinical testing. Allele origin: germline.
Comment: The SPATA7 c.40C>G variant is predicted to result in the amino acid substitution p.Pro14Ala. To our knowledge, this variant has not been reported in the literature. This variant is present in 0.0035% of alleles in individuals of European (Non-Finnish) descent in gnomAD. At this time, the clinical significance of this variant is uncertain due to the absence of conclusive functional and genetic evidence.

NM_018418.5(SPATA7):c.40C>G (p.Pro14Ala)

Gene: SPATA7 (spermatogenesis associated 7; plus strand). Cytogenetic location: 14q31.3.
Variant type: single nucleotide variant.
Coding change: c.40C>G on transcript NM_018418.5 (MANE Select); coding-DNA position 40, C replaced by G.
Protein change: p.Pro14Ala; replaces proline 14 with alanine.
Molecular consequence: missense variant.
Genome position (GRCh38, 1-based): chr14:88,391,401, C>G. VCF-style: chr14-88391401-C-G. GRCh37 (hg19) VCF-style: chr14-88857745-C-G.
Other names: c.40C>G, p.Pro14Ala (NM_001040428.4); short protein forms P14A.
Identifiers: ClinVar variation 4990181 (VCV004990181.1).
Genomic context (GRCh38, chr14:88,391,401, plus strand): 5'-TCATTTATCCTAATTTATGATTTTTTTTTCTTGTTAAAAGTCAGAGCAACCTCTGTCCTT[C>G]CCAGATATGGTCCACCGTGCCTATTTAAAGGACACTTGAGCACCAAAAGTAATGGTAAGT-3'
Protein context (NP_060888.2, residues 4-24): SRRVRATSVL[Pro14Ala]RYGPPCLFKG